The following is an entry in ClinVar:

ClinVar aggregate classification (germline): Uncertain significance (1 of 4 stars; one submission).

Allele frequency attached by ClinVar (database versions not stated): gnomAD exomes below 0.00001.
gnomAD v4.1: 1 of 1,126,544 alleles (0.000089%); highest among the groups gnomAD compares: Non-Finnish European, 0.00013%; no homozygotes.

Submission:

Labcorp Genetics (formerly Invitae), Labcorp
Classification: Uncertain significance. Last evaluated: 2019-10-27. Review status: criteria provided, single submitter. Criteria: Invitae Variant Classification Sherloc (09022015). Collection method: clinical testing. Allele origin: germline.
Comment: This sequence change replaces threonine with isoleucine at codon 398 of the UMOD protein (p.Thr398Ile). The threonine residue is highly conserved and there is a moderate physicochemical difference between threonine and isoleucine. This variant is not present in population databases (ExAC no frequency). In summary, the available evidence is currently insufficient to determine the role of this variant in disease. Therefore, it has been classified as a Variant of Uncertain Significance. Algorithms developed to predict the effect of missense changes on protein structure and function are either unavailable or do not agree on the potential impact of this missense change (SIFT: "Deleterious"; PolyPhen-2: "Probably Damaging"; Align-GVGD: "Class C0"). This variant has not been reported in the literature in individuals with UMOD-related conditions.

NM_003361.4(UMOD):c.1193C>T (p.Thr398Ile)

Gene: UMOD (uromodulin; minus strand). Cytogenetic location: 16p12.3.
Variant type: single nucleotide variant.
Coding change: c.1193C>T on transcript NM_003361.4 (MANE Select); coding-DNA position 1193, C replaced by T.
Protein change: p.Thr398Ile; replaces threonine 398 with isoleucine.
Molecular consequence: missense variant. On other transcripts: non-coding transcript variant (1).
Genome position (GRCh38, 1-based): chr16:20,344,162, G>A on the plus strand (C>T on the coding strand, the complement: UMOD is on the minus strand). VCF-style: chr16-20344162-G-A. GRCh37 (hg19) VCF-style: chr16-20355484-G-A.
Other names: c.1193C>T, p.Thr398Ile (NM_001008389.3, NM_001378232.1, NM_001378233.1 and 3 more transcripts); c.1292C>T, p.Thr431Ile (NM_001278614.2); short protein forms T398I, T431I.
Identifiers: ClinVar variation 951523 (VCV000951523.9), dbSNP rs1965401087, ClinGen allele CA394983008.